The following is an entry in ClinVar:

ClinVar aggregate classification (germline): Benign/Likely benign. Review status: criteria provided, multiple submitters, no conflicts (2 of 4 stars). 3 submissions from 3 submitters: Benign (1); Likely benign (2). Last evaluated 2024-10-24.

Conditions:
Lipodystrophy, partial, acquired, susceptibility to (APLD). Also called: APLD, SUSCEPTIBILITY TO. Identifiers: MedGen C3887501, MONDO:0100476, OMIM 608709.
Progressive myoclonic epilepsy type 9. Identifiers: Orphanet 457265, MedGen C4225289, MONDO:0014685, OMIM 616540.

Allele frequency attached by ClinVar (database versions not stated): TOPMed 0.00004; gnomAD 0.00006 and 0.00009; ExAC 0.00020; gnomAD exomes 0.00020.
gnomAD v4.1: 196 of 1,601,672 alleles (0.012%); highest among the groups gnomAD compares: South Asian, 0.13%; 3 homozygotes.

Submissions (3):

Labcorp Genetics (formerly Invitae), Labcorp
Classification: Benign for Progressive myoclonic epilepsy type 9; Lipodystrophy, partial, acquired, susceptibility to. Last evaluated: 2024-10-24. Review status: criteria provided, single submitter. Criteria: Invitae Variant Classification Sherloc (09022015). Collection method: clinical testing. Allele origin: germline.

Women's Health and Genetics/Laboratory Corporation of America, LabCorp
Classification: Likely benign. Last evaluated: 2024-07-30. Review status: criteria provided, single submitter. Criteria: LabCorp Variant Classification Summary - May 2015. Collection method: clinical testing. Allele origin: germline.
Comment: Variant summary: LMNB2 c.1483-12C>T alters a non-conserved nucleotide located at a position not widely known to affect splicing. Consensus agreement among computation tools predict no significant impact on normal splicing. However, these predictions have yet to be confirmed by functional studies. The variant allele was found at a frequency of 0.0002 in 250710 control chromosomes in the gnomAD database, including 2 homozygotes. To our knowledge, no occurrence of c.1483-12C>T in individuals affected with LMNB2-Related Disorders and no experimental evidence demonstrating its impact on protein function have been reported. ClinVar contains an entry for this variant (Variation ID: 1583963). Based on the evidence outlined above, the variant was classified as likely benign.

Blueprint Genetics
Classification: Likely benign. Last evaluated: 2024-07-17. Review status: criteria provided, single submitter. Criteria: ACMG Guidelines, 2015. Collection method: clinical testing. Allele origin: germline.

NM_032737.4(LMNB2):c.1483-12C>T

Gene: LMNB2 (lamin B2; minus strand). Cytogenetic location: 19p13.3.
Variant type: single nucleotide variant.
Coding change: c.1483-12C>T on transcript NM_032737.4 (MANE Select); 12 bases into the intron before coding-DNA position 1483, C replaced by T.
Molecular consequence: intron variant.
Genome position (GRCh38, 1-based): chr19:2,432,535, G>A on the plus strand (C>T on the coding strand, the complement: LMNB2 is on the minus strand). VCF-style: chr19-2432535-G-A. GRCh37 (hg19) VCF-style: chr19-2432533-G-A.
Identifiers: ClinVar variation 1583963 (VCV001583963.10), dbSNP rs761892602, ClinGen allele CA9067456.